The following is an entry in ClinVar:

NC_000015.9:g.(?_57523330)_(57574785_?)dup

Gene: TCF12 (transcription factor 12; plus strand). Cytogenetic location: 15q21.3.
Variant type: Duplication.
Identifiers: ClinVar variation 3243929 (VCV003243929.1).

ClinVar aggregate classification (germline): Uncertain significance (1 of 4 stars; one submission).

Submission:

Labcorp Genetics (formerly Invitae), Labcorp
Classification: Uncertain significance. Last evaluated: 2023-12-15. Review status: criteria provided, single submitter. Criteria: Invitae Variant Classification Sherloc (09022015). Collection method: clinical testing. Allele origin: unknown.
Comment: This variant results in a copy number gain of the genomic region encompassing exon(s) 9-20 of the TCF12 gene. This region includes the termination codon of the gene. This copy number gain extends beyond the assayed region for this gene and therefore may encompass additional genes. As the precise location of this event is unknown, it may be in tandem or it may be located elsewhere in the genome. This variant has not been reported in the literature in individuals affected with TCF12-related conditions. Experimental studies and prediction algorithms are not available or were not evaluated, and the functional significance of this variant is currently unknown. In summary, the available evidence is currently insufficient to determine the role of this variant in disease. Therefore, it has been classified as a Variant of Uncertain Significance.